The following is an entry in ClinVar:

NM_005228.5(EGFR):c.929C>T (p.Ala310Val)

Gene: EGFR (epidermal growth factor receptor; plus strand). Cytogenetic location: 7p11.2.
Variant type: single nucleotide variant.
Coding change: c.929C>T on transcript NM_005228.5 (MANE Select); coding-DNA position 929, C replaced by T.
Protein change: p.Ala310Val; replaces alanine 310 with valine.
Molecular consequence: missense variant.
Genome position (GRCh38, 1-based): chr7:55,155,869, C>T. VCF-style: chr7-55155869-C-T. GRCh37 (hg19) VCF-style: chr7-55223562-C-T.
Other names: c.794C>T, p.Ala265Val (NM_001346897.2, NM_001346899.2); c.929C>T, p.Ala310Val (NM_001346898.2, NM_201282.2, NM_201283.2 and 1 more transcripts); c.770C>T, p.Ala257Val (NM_001346900.2); c.128C>T, p.Ala43Val (NM_001346941.2); short protein forms A43V, A257V, A310V, A265V.
Identifiers: ClinVar variation 1988946 (VCV001988946.5), dbSNP rs1785385813, ClinGen allele CA367577999.

ClinVar aggregate classification (germline): Uncertain significance. Review status: criteria provided, multiple submitters, no conflicts (2 of 4 stars). 2 submissions from 2 submitters: Uncertain significance (2). Last evaluated 2025-06-18.

Conditions:
EGFR-related lung cancer (EGFR). Identifiers: MedGen CN130014.
Hereditary cancer-predisposing syndrome. Also called: Tumor predisposition; Hereditary Cancer Syndrome; Hereditary neoplastic syndrome; Neoplastic Syndromes, Hereditary. Identifiers: Orphanet 140162, MedGen C0027672, MeSH D009386, MONDO:0015356.

gnomAD v4.1: 1 of 1,614,046 alleles (0.000062%); highest among the groups gnomAD compares: Non-Finnish European, 0.000085%; no homozygotes.

Submissions (2):

Ambry Genetics
Classification: Uncertain significance for Hereditary cancer-predisposing syndrome. Last evaluated: 2025-06-18. Review status: criteria provided, single submitter. Criteria: Ambry Variant Classification Scheme 2023. Collection method: clinical testing. Allele origin: germline.
Comment: The p.A310V variant (also known as c.929C>T), located in coding exon 8 of the EGFR gene, results from a C to T substitution at nucleotide position 929. The alanine at codon 310 is replaced by valine, an amino acid with similar properties. This amino acid position is not well conserved in available vertebrate species. In addition, this alteration is predicted to be tolerated by in silico analysis. Based on the available evidence, the clinical significance of this variant remains unclear.

Labcorp Genetics (formerly Invitae), Labcorp
Classification: Uncertain significance for EGFR-related lung cancer. Last evaluated: 2025-01-23. Review status: criteria provided, single submitter. Criteria: Invitae Variant Classification Sherloc (09022015). Collection method: clinical testing. Allele origin: germline.
Comment: This sequence change replaces alanine, which is neutral and non-polar, with valine, which is neutral and non-polar, at codon 310 of the EGFR protein (p.Ala310Val). This variant is not present in population databases (gnomAD no frequency). This variant has not been reported in the literature in individuals affected with EGFR-related conditions. ClinVar contains an entry for this variant (Variation ID: 1988946). Invitae Evidence Modeling of protein sequence and biophysical properties (such as structural, functional, and spatial information, amino acid conservation, physicochemical variation, residue mobility, and thermodynamic stability) indicates that this missense variant is not expected to disrupt EGFR protein function with a negative predictive value of 80%. In summary, the available evidence is currently insufficient to determine the role of this variant in disease. Therefore, it has been classified as a Variant of Uncertain Significance.